The following is an entry in ClinVar:

ClinVar aggregate classification (germline): Benign/Likely benign. Review status: criteria provided, multiple submitters, no conflicts (2 of 4 stars). 4 submissions from 4 submitters: Benign (1); Likely benign (2). 1 of the submissions does not count toward it. Last evaluated 2026-06-01.

Conditions:
LRRK1-related disorder. Also called: LRRK1-related condition.

Allele frequency attached by ClinVar (database versions not stated): 1000 Genomes Project 30x 0.00187; 1000 Genomes Project 0.00240; gnomAD 0.00405 and 0.00408; ExAC 0.00408; gnomAD exomes 0.00417 and 0.00444; TOPMed 0.00444; ESP Exome Variant Server 0.00476.
gnomAD v4.1: 6,860 of 1,614,188 alleles (0.42%); highest among the groups gnomAD compares: Middle Eastern, 2.3%; 16 homozygotes.

Submissions (4):

CeGaT Center for Human Genetics Tuebingen
Classification: Benign. Last evaluated: 2026-06-01. Review status: criteria provided, single submitter. Criteria: CeGaT Center For Human Genetics Tuebingen Variant Classification Criteria Version 2. Collection method: clinical testing. Allele origin: germline. Affected: yes. Observed: 4 variant alleles.
Comment: LRRK1: BS1, BS2

Labcorp Genetics (formerly Invitae), Labcorp
Classification: Likely benign. Last evaluated: 2026-02-01. Review status: criteria provided, single submitter. Criteria: Invitae Variant Classification Sherloc (09022015). Collection method: clinical testing. Allele origin: germline.

Breakthrough Genomics
Classification: Likely benign. Review status: criteria provided, single submitter. Criteria: ACMG Guidelines, 2015. Collection method: not provided. Allele origin: germline. Inheritance: Autosomal recessive inheritance. Affected: yes.

PreventionGenetics, part of Exact Sciences
Classification: Likely benign for LRRK1-related condition. Last evaluated: 2019-02-19. Review status: no assertion criteria provided. Collection method: clinical testing. Allele origin: germline. Not counted in ClinVar's aggregate classification.
Comment: This variant is classified as likely benign based on ACMG/AMP sequence variant interpretation guidelines (Richards et al. 2015 PMID: 25741868, with internal and published modifications).

NM_024652.6(LRRK1):c.1627C>T (p.Pro543Ser)

Gene: LRRK1 (leucine rich repeat kinase 1; plus strand). Cytogenetic location: 15q26.3.
Variant type: single nucleotide variant.
Coding change: c.1627C>T on transcript NM_024652.6 (MANE Select); coding-DNA position 1627, C replaced by T.
Protein change: p.Pro543Ser; replaces proline 543 with serine.
Molecular consequence: missense variant.
Genome position (GRCh38, 1-based): chr15:101,021,070, C>T. VCF-style: chr15-101021070-C-T. GRCh37 (hg19) VCF-style: chr15-101561275-C-T.
Other names: c.1627C>T (NM_024652.5); short protein forms P543S.
Identifiers: ClinVar variation 786427 (VCV000786427.36), dbSNP rs55798315, ClinGen allele CA7760972.